The following is an entry in ClinVar:

ClinVar aggregate classification (germline): Pathogenic/Likely pathogenic. Review status: criteria provided, multiple submitters, no conflicts (2 of 4 stars). 2 submissions from 2 submitters: Pathogenic (1); Likely pathogenic (1). Last evaluated 2024-10-28.

Conditions:
CPLANE1-related disorders.

Submissions (2):

Labcorp Genetics (formerly Invitae), Labcorp
Classification: Pathogenic. Last evaluated: 2024-10-28. Review status: criteria provided, single submitter. Criteria: Invitae Variant Classification Sherloc (09022015). Collection method: clinical testing. Allele origin: germline.
Comment: This sequence change creates a premature translational stop signal (p.Lys1420*) in the CPLANE1 gene. It is expected to result in an absent or disrupted protein product. Loss-of-function variants in CPLANE1 are known to be pathogenic (PMID: 24178751, 26092869). This variant is not present in population databases (gnomAD no frequency). This variant has not been reported in the literature in individuals affected with CPLANE1-related conditions. ClinVar contains an entry for this variant (Variation ID: 2419574). For these reasons, this variant has been classified as Pathogenic.

Blueprint Genetics
Classification: Likely pathogenic for CPLANE1-related disorders. Last evaluated: 2023-03-31. Review status: criteria provided, single submitter. Criteria: ACMG Guidelines, 2015. Collection method: clinical testing. Allele origin: germline. Affected: yes. Observed: 2 variant alleles.

Literature cited by the submitters: PubMed 24178751 (cited by Labcorp Genetics (formerly Invitae), Labcorp); PubMed 26092869 (cited by Labcorp Genetics (formerly Invitae), Labcorp).

NM_001384732.1(CPLANE1):c.4258A>T (p.Lys1420Ter)

Gene: CPLANE1 (ciliogenesis and planar polarity effector complex subunit 1; minus strand). Cytogenetic location: 5p13.2.
Variant type: single nucleotide variant.
Coding change: c.4258A>T on transcript NM_001384732.1 (MANE Select); coding-DNA position 4258, A replaced by T.
Protein change: p.Lys1420Ter; replaces lysine 1420 with a stop codon.
Molecular consequence: nonsense.
Genome position (GRCh38, 1-based): chr5:37,185,011, T>A on the plus strand (A>T on the coding strand, the complement: CPLANE1 is on the minus strand). VCF-style: chr5-37185011-T-A. GRCh37 (hg19) VCF-style: chr5-37185113-T-A.
Other names: c.4258A>T, p.Lys1420Ter (NM_023073.4); short protein forms K1420*.
Identifiers: ClinVar variation 2419574 (VCV002419574.7), dbSNP rs2547855732, ClinGen allele CA359501630.
Genomic context (GRCh38, chr5:37,185,011, plus strand): 5'-CTTCTTCAATTGGTTCCCATATATTCACTTCAAAAGAGCCTATATTTCTCTGCACACGTT[T>A]TAGAGCTTTCACCCTCACTTTCTGGATAGAATGCATGACAACAGACATCATTTCCTCAGT-3'